The following is an entry in ClinVar:

NM_000256.3(MYBPC3):c.2306del (p.Ile769fs)

Gene: MYBPC3 (myosin binding protein C3; minus strand). Cytogenetic location: 11p11.2.
Variant type: Deletion.
Coding change: c.2306del on transcript NM_000256.3 (MANE Select); coding-DNA position 2306, one base deleted (T; older notation c.2306delT).
Protein change: p.Ile769fs; shifts the reading frame from isoleucine 769.
Molecular consequence: frameshift variant.
Genome position (GRCh38, 1-based): chr11:47,338,522, A deleted on the plus strand (T on the coding strand, the reverse complement: MYBPC3 is on the minus strand). VCF-style (leftmost placement, unchanged base first): chr11-47338521-GA-G. GRCh37 (hg19) VCF-style: chr11-47360072-GA-G.
Other names: c.2306delT (NM_000256.3); short protein forms I769fs.
Identifiers: ClinVar variation 3376583 (VCV003376583.1).

ClinVar aggregate classification (germline): Pathogenic (1 of 4 stars; one submission).

Conditions:
Hypertrophic cardiomyopathy 4. Also called: Familial hypertrophic cardiomyopathy 4. Identifiers: MedGen C1861862, MONDO:0007268, OMIM 115197.

Submission:

Victorian Clinical Genetics Services, Murdoch Childrens Research Institute
Classification: Pathogenic for Hypertrophic cardiomyopathy 4. Last evaluated: 2022-02-02. Review status: criteria provided, single submitter. Criteria: ACMG Guidelines, 2015. Collection method: clinical testing. Allele origin: germline.
Comment: Based on the classification scheme VCGS_Germline_v1.3.4, this variant is classified as pathogenic. Following criteria are met: 0102 - Loss of function is a known mechanism of disease in this gene and is associated with hypertrophic cardiomyopathy 4 (HCM; MIM#115197). (I) 0108 - This gene is associated with both recessive and dominant disease. Dominant inheritance is frequently reported in adult onset conditions, however recessive inheritance results in a more severe early onset phenotype (OMIM). (I) 0115 - Variants in this gene are known to have variable expressivity (PMID: 32841044). (I) 0201 - Variant is predicted to cause nonsense-mediated decay (NMD) and loss of protein (premature termination codon is located at least 54 nucleotides upstream of the final exon-exon junction). (SP) 0251 - This variant is heterozygous. (I) 0301 - Variant is absent from gnomAD (both v2 and v3). (SP) 0701 - Other NMD-predicted variants comparable to the one identified in this case have very strong previous evidence for pathogenicity. Multiple NMD-predicted variants have been reported as likely pathogenic or pathogenic in HCM probands (ClinVar). (SP) 0803 - This variant has limited previous evidence of pathogenicity in an unrelated individual. This variant has been reported in one HCM proband (PMID: 23233322). (SP) 0905 - No published segregation evidence has been identified for this variant. (I) 1007 - No published functional evidence has been identified for this variant. (I) 1208 - Inheritance information for this variant is not currently available in this individual. (I) Legend: (SP) - Supporting pathogenic, (I) - Information, (SB) - Supporting benign

Literature cited by the submitters: PubMed 23233322; PubMed 32841044.